The following is an entry in ClinVar:

NM_170665.4(ATP2A2):c.1122T>C (p.Gly374=)

Gene: ATP2A2 (ATPase sarcoplasmic/endoplasmic reticulum Ca2+ transporting 2; plus strand). Cytogenetic location: 12q24.11.
Variant type: single nucleotide variant.
Coding change: c.1122T>C on transcript NM_170665.4 (MANE Select); coding-DNA position 1122, T replaced by C.
Protein change: p.Gly374=; no amino-acid change (glycine 374 retained).
Molecular consequence: synonymous variant.
Genome position (GRCh38, 1-based): chr12:110,332,623, T>C. VCF-style: chr12-110332623-T-C. GRCh37 (hg19) VCF-style: chr12-110770428-T-C.
Other names: c.1122T>C, p.Gly374= (NM_001681.4).
Identifiers: ClinVar variation 307169 (VCV000307169.5), dbSNP rs772617747, ClinGen allele CA6783820.

ClinVar aggregate classification (germline): Likely benign (1 of 4 stars; one submission).

Conditions:
Keratosis follicularis (DAR). Also called: Darier disease; Darier's disease. Identifiers: Orphanet 218, MedGen C0022595, MONDO:0007417, OMIM 124200.

Allele frequency attached by ClinVar (database versions not stated): gnomAD exomes 0.00001; TOPMed 0.00001; gnomAD 0.00003.
gnomAD v4.1: 23 of 1,613,576 alleles (0.0014%); highest among the groups gnomAD compares: Non-Finnish European, 0.0019%; no homozygotes.

Submission:

Illumina Laboratory Services, Illumina
Classification: Likely benign for Keratosis follicularis. Last evaluated: 2018-01-13. Review status: criteria provided, single submitter. Criteria: ICSL Variant Classification Criteria 13 December 2019. Collection method: clinical testing. Allele origin: germline.
Comment: This variant was observed in the ICSL laboratory as part of a predisposition screen in an ostensibly healthy population. It had not been previously curated by ICSL or reported in the Human Gene Mutation Database (HGMD: prior to June 1st, 2018), and was therefore a candidate for classification through an automated scoring system. Utilizing variant allele frequency, disease prevalence and penetrance estimates, and inheritance mode, an automated score was calculated to assess if this variant is too frequent to cause the disease. Based on the score and internal cut-off values, a variant classified as likely benign is not then subjected to further curation. The score for this variant resulted in a classification of likely benign for this disease.